The following is an entry in ClinVar:

NM_005393.3(PLXNB3):c.4640C>G (p.Thr1547Ser)

Gene: PLXNB3 (plexin B3; plus strand). Cytogenetic location: Xq28.
Variant type: single nucleotide variant.
Coding change: c.4640C>G on transcript NM_005393.3 (MANE Select); coding-DNA position 4640, C replaced by G.
Protein change: p.Thr1547Ser; replaces threonine 1547 with serine.
Molecular consequence: missense variant.
Genome position (GRCh38, 1-based): chrX:153,776,125, C>G. VCF-style: chrX-153776125-C-G. GRCh37 (hg19) VCF-style: chrX-153041580-C-G.
Other names: c.4709C>G, p.Thr1570Ser (NM_001163257.2); short protein forms T1547S, T1570S.
Identifiers: ClinVar variation 3234795 (VCV003234795.20), dbSNP rs2522435312, ClinGen allele CA415133830.

ClinVar aggregate classification (germline): Uncertain significance (1 of 4 stars; one submission).

Submission:

CeGaT Center for Human Genetics Tuebingen
Classification: Uncertain significance. Last evaluated: 2024-04-01. Review status: criteria provided, single submitter. Criteria: CeGaT Center For Human Genetics Tuebingen Variant Classification Criteria Version 2. Collection method: clinical testing. Allele origin: germline. Affected: yes. Observed: 1 variant allele.
Comment: PLXNB3: PM2